The following is an entry in ClinVar:

NM_003466.4(PAX8):c.*1006A>C

Gene: PAX8 (paired box 8; minus strand). Cytogenetic location: 2q14.1.
Variant type: single nucleotide variant.
Coding change: c.*1006A>C on transcript NM_003466.4 (MANE Select); 1006 bases downstream of the stop codon, A replaced by C.
Molecular consequence: 3 prime UTR variant.
Genome position (GRCh38, 1-based): chr2:113,217,527, T>G on the plus strand (A>C on the coding strand, the complement: PAX8 is on the minus strand). VCF-style: chr2-113217527-T-G. GRCh37 (hg19) VCF-style: chr2-113975104-T-G.
Other names: c.*1083A>C (NM_013952.4, NM_013953.4, NM_013992.4).
Identifiers: ClinVar variation 330870 (VCV000330870.6), dbSNP rs1479, ClinGen allele CA10611053.

ClinVar aggregate classification (germline): Benign. Review status: criteria provided, multiple submitters, no conflicts (2 of 4 stars). 2 submissions from 2 submitters: Benign (2). Last evaluated 2018-01-13.

Conditions:
Hypothyroidism, congenital, nongoitrous, 2 (CHNG2). Also called: Hypothyroidism, congenital, due to thyroid dysgenesis or hypoplasia. Identifiers: Orphanet 95712, MedGen C1869118, MONDO:0024264, OMIM 218700.

Allele frequency attached by ClinVar (database versions not stated): gnomAD exomes 0.18972; 1000 Genomes Project 0.24920; 1000 Genomes Project 30x 0.25328; gnomAD 0.27783 and 0.29017; TOPMed 0.27989.
gnomAD v4.1: 57,268 of 230,418 alleles (25%); highest among the groups gnomAD compares: African/African-American, 48%; 8,865 homozygotes.

Submissions (2):

Illumina Laboratory Services, Illumina
Classification: Benign for Hypothyroidism, congenital, nongoitrous, 2. Last evaluated: 2018-01-13. Review status: criteria provided, single submitter. Criteria: ICSL Variant Classification Criteria 13 December 2019. Collection method: clinical testing. Allele origin: germline.
Comment: This variant was observed in the ICSL laboratory as part of a predisposition screen in an ostensibly healthy population. It had not been previously curated by ICSL or reported in the Human Gene Mutation Database (HGMD: prior to June 1st, 2018), and was therefore a candidate for classification through an automated scoring system. Utilizing variant allele frequency, disease prevalence and penetrance estimates, and inheritance mode, an automated score was calculated to assess if this variant is too frequent to cause the disease. Based on the score and internal cut-off values, a variant classified as benign is not then subjected to further curation. The score for this variant resulted in a classification of benign for this disease.

Breakthrough Genomics
Classification: Benign. Review status: criteria provided, single submitter. Criteria: ACMG Guidelines, 2015. Collection method: not provided. Allele origin: germline. Inheritance: Autosomal dominant inheritance. Affected: yes.